The following is an entry in ClinVar:

ClinVar aggregate classification (germline): Pathogenic. Review status: criteria provided, multiple submitters, no conflicts (2 of 4 stars). 2 submissions from 2 submitters: Pathogenic (2). Last evaluated 2024-12-04.

Conditions:
Rhabdoid tumor predisposition syndrome 2 (RTPS2). Identifiers: Orphanet 231108, Orphanet 69077, MedGen C2750074, MONDO:0013224, OMIM 613325.
Hereditary cancer-predisposing syndrome. Also called: Hereditary neoplastic syndrome; Hereditary Cancer Syndrome; Neoplastic Syndromes, Hereditary; Tumor predisposition. Identifiers: Orphanet 140162, MedGen C0027672, MeSH D009386, MONDO:0015356.

Allele frequency attached by ClinVar (database versions not stated): gnomAD exomes below 0.00001.
gnomAD v4.1: 1 of 1,613,042 alleles (0.000062%); highest among the groups gnomAD compares: Non-Finnish European, 0.000085%; no homozygotes.

Submissions (2):

Labcorp Genetics (formerly Invitae), Labcorp
Classification: Pathogenic for Rhabdoid tumor predisposition syndrome 2. Last evaluated: 2024-12-04. Review status: criteria provided, single submitter. Criteria: Invitae Variant Classification Sherloc (09022015). Collection method: clinical testing. Allele origin: germline.
Comment: This sequence change creates a premature translational stop signal (p.Arg1005*) in the SMARCA4 gene. It is expected to result in an absent or disrupted protein product. Loss-of-function variants in SMARCA4 are known to be pathogenic (PMID: 24658001, 24658002). This variant is not present in population databases (gnomAD no frequency). This premature translational stop signal has been observed in individual(s) with small cell carcinoma of the ovary, hypercalcemic type (PMID: 24658004). ClinVar contains an entry for this variant (Variation ID: 1402988). For these reasons, this variant has been classified as Pathogenic.

Ambry Genetics
Classification: Pathogenic for Hereditary cancer-predisposing syndrome. Last evaluated: 2022-07-19. Review status: criteria provided, single submitter. Criteria: Ambry Variant Classification Scheme 2023. Collection method: clinical testing. Allele origin: germline.
Comment: The p.R1005* pathogenic mutation (also known as c.3013C>T), located in coding exon 20 of the SMARCA4 gene, results from a C to T substitution at nucleotide position 3013. This changes the amino acid from an arginine to a stop codon within coding exon 20. This variant is considered to be rare based on population cohorts in the Genome Aggregation Database (gnomAD). This alteration is expected to result in loss of function by premature protein truncation or nonsense-mediated mRNA decay. Loss-of-function variants in SMARCA4 are known to cause rhabdoid tumor predisposition syndrome including small cell carcinoma of the ovary-hypercalcemic type (SCCOHT); however, such associations with neurodevelopmental disorders are exceedingly rare (Kosho T et al. Am J Med Genet C Semin Med Genet. 2014 Sep;166C(3):262-75; Jelinic P et al. Nat Genet. 2014 May;46(5):424-6). Based on the supporting evidence, this alteration is pathogenic for rhabdoid tumor predisposition syndrome; however, the association of this alteration with Coffin-Siris syndrome is unlikely.

Literature cited by the submitters: PubMed 24658001 (cited by Labcorp Genetics (formerly Invitae), Labcorp); PubMed 24658002 (cited by Labcorp Genetics (formerly Invitae), Labcorp); PubMed 24658004 (cited by Labcorp Genetics (formerly Invitae), Labcorp and Ambry Genetics).

NM_003072.5(SMARCA4):c.3013C>T (p.Arg1005Ter)

Gene: SMARCA4 (SWI/SNF related BAF chromatin remodeling complex subunit ATPase 4; plus strand). Cytogenetic location: 19p13.2.
Variant type: single nucleotide variant.
Coding change: c.3013C>T on transcript NM_003072.5 (MANE Select); coding-DNA position 3013, C replaced by T.
Protein change: p.Arg1005Ter; replaces arginine 1005 with a stop codon.
Molecular consequence: nonsense. On other transcripts: non-coding transcript variant (1).
Genome position (GRCh38, 1-based): chr19:11,024,370, C>T. VCF-style: chr19-11024370-C-T. GRCh37 (hg19) VCF-style: chr19-11135046-C-T.
Other names: c.3013C>T, p.Arg1005Ter (NM_001128844.3, NM_001128845.2, NM_001128846.2 and 5 more transcripts); short protein forms R1005*.
Identifiers: ClinVar variation 1402988 (VCV001402988.8), dbSNP rs2146473376, ClinGen allele CA404058925.